The following is an entry in ClinVar:

NM_021815.5(SLC5A7):c.119A>C (p.Glu40Ala)

Gene: SLC5A7 (solute carrier family 5 member 7; plus strand). Cytogenetic location: 2q12.3.
Variant type: single nucleotide variant.
Coding change: c.119A>C on transcript NM_021815.5 (MANE Select); coding-DNA position 119, A replaced by C.
Protein change: p.Glu40Ala; replaces glutamic acid 40 with alanine.
Molecular consequence: missense variant. On other transcripts: 5 prime UTR variant (1), intron variant (1).
Genome position (GRCh38, 1-based): chr2:107,988,274, A>C. VCF-style: chr2-107988274-A-C. GRCh37 (hg19) VCF-style: chr2-108604730-A-C.
Other names: p.Glu40Ala; c.119A>C, p.Glu40Ala (NM_001305005.3); c.-586A>C (NM_001305007.3); c.-138+1511A>C (NM_001305006.3); short protein forms E40A.
Identifiers: ClinVar variation 532815 (VCV000532815.15), dbSNP rs770628227, ClinGen allele CA1818883.

ClinVar aggregate classification (germline): Uncertain significance. Review status: criteria provided, multiple submitters, no conflicts (2 of 4 stars). 4 submissions from 4 submitters: Uncertain significance (4). Last evaluated 2025-10-08.

Conditions:
Inborn genetic diseases. Identifiers: MedGen C0950123, MeSH D030342.
Neuronopathy, distal hereditary motor, type 7A. Also called: SPINAL MUSCULAR ATROPHY, DISTAL, WITH VOCAL CORD PARALYSIS; HARPER-YOUNG MYOPATHY; HMN VIIA; Neuronopathy, distal hereditary motor, type viia; NEURONOPATHY, DISTAL HEREDITARY MOTOR, HARDING TYPE VIIA; NEUROPATHY, DISTAL HEREDITARY MOTOR, HARDING TYPE VIIA. Identifiers: Orphanet 139589, MedGen C1834703, MONDO:0008024, OMIM 158580.
Congenital myasthenic syndrome 20. Also called: Myasthenic syndrome, congenital, 20, presynaptic. Identifiers: MedGen C4310694, MONDO:0014939, OMIM 617143.

Allele frequency attached by ClinVar (database versions not stated): TOPMed 0.00001; ExAC 0.00003; gnomAD 0.00001; gnomAD exomes 0.00003 and 0.00004.
gnomAD v4.1: 61 of 1,614,072 alleles (0.0038%); highest among the groups gnomAD compares: Non-Finnish European, 0.0051%; no homozygotes.

Submissions (4):

Women's Health and Genetics/Laboratory Corporation of America, LabCorp
Classification: Uncertain significance. Last evaluated: 2025-10-08. Review status: criteria provided, single submitter. Criteria: LabCorp Variant Classification Summary - May 2015. Collection method: clinical testing. Allele origin: germline.
Comment: Variant summary: SLC5A7 c.119A>C (p.Glu40Ala) results in a non-conservative amino acid change in the encoded protein sequence. Algorithms developed to predict the effect of missense changes on protein structure and function all suggest that this variant is likely to be disruptive. The variant allele was found at a frequency of 2.8e-05 in 251456 control chromosomes. The available data on variant occurrences in the general population are insufficient to allow any conclusion about variant significance. To our knowledge, no occurrence of c.119A>C in individuals affected with SLC5A7-related conditions and no experimental evidence demonstrating its impact on protein function have been reported. ClinVar contains an entry for this variant (Variation ID: 532815). Based on the evidence outlined above, the variant was classified as uncertain significance.

Labcorp Genetics (formerly Invitae), Labcorp
Classification: Uncertain significance for Neuronopathy, distal hereditary motor, type 7A; Congenital myasthenic syndrome 20. Last evaluated: 2025-10-02. Review status: criteria provided, single submitter. Criteria: Invitae Variant Classification Sherloc (09022015). Collection method: clinical testing. Allele origin: germline.
Comment: This sequence change replaces glutamic acid, which is acidic and polar, with alanine, which is neutral and non-polar, at codon 40 of the SLC5A7 protein (p.Glu40Ala). This variant is present in population databases (rs770628227, gnomAD 0.006%). This variant has not been reported in the literature in individuals affected with SLC5A7-related conditions. ClinVar contains an entry for this variant (Variation ID: 532815). Invitae Evidence Modeling of protein sequence and biophysical properties (such as structural, functional, and spatial information, amino acid conservation, physicochemical variation, residue mobility, and thermodynamic stability) indicates that this missense variant is not expected to disrupt SLC5A7 protein function with a negative predictive value of 80%. In summary, the available evidence is currently insufficient to determine the role of this variant in disease. Therefore, it has been classified as a Variant of Uncertain Significance.

Ambry Genetics
Classification: Uncertain significance for Inborn genetic diseases. Last evaluated: 2024-11-25. Review status: criteria provided, single submitter. Criteria: Ambry Variant Classification Scheme 2023. Collection method: clinical testing. Allele origin: germline.

Mayo Clinic Laboratories, Mayo Clinic
Classification: Uncertain significance. Last evaluated: 2021-07-08. Review status: criteria provided, single submitter. Criteria: ACMG Guidelines, 2015. Collection method: clinical testing. Allele origin: germline.